The following is an entry in ClinVar:

NM_017617.5(NOTCH1):c.4765T>C (p.Ser1589Pro)

Gene: NOTCH1 (notch receptor 1; minus strand). Cytogenetic location: 9q34.3.
Variant type: single nucleotide variant.
Coding change: c.4765T>C on transcript NM_017617.5 (MANE Select); coding-DNA position 4765, T replaced by C.
Protein change: p.Ser1589Pro; replaces serine 1589 with proline.
Molecular consequence: missense variant.
Genome position (GRCh38, 1-based): chr9:136,504,926, A>G on the plus strand (T>C on the coding strand, the complement: NOTCH1 is on the minus strand). VCF-style: chr9-136504926-A-G. GRCh37 (hg19) VCF-style: chr9-139399378-A-G.
Other names: short protein forms S1589P.
Identifiers: ClinVar variation 839707 (VCV000839707.9), dbSNP rs1490218456, ClinGen allele CA375645116.

ClinVar aggregate classification (germline): Uncertain significance (1 of 4 stars; one submission).

Conditions:
Adams-Oliver syndrome 5 (AOS5). Identifiers: Orphanet 974, MedGen C4014970, MONDO:0014459, OMIM 616028.

Submission:

Labcorp Genetics (formerly Invitae), Labcorp
Classification: Uncertain significance for Adams-Oliver syndrome 5. Last evaluated: 2019-03-30. Review status: criteria provided, single submitter. Criteria: Invitae Variant Classification Sherloc (09022015). Collection method: clinical testing. Allele origin: germline.
Comment: In summary, the available evidence is currently insufficient to determine the role of this variant in disease. Therefore, it has been classified as a Variant of Uncertain Significance. Algorithms developed to predict the effect of missense changes on protein structure and function (SIFT, PolyPhen-2, Align-GVGD) all suggest that this variant is likely to be disruptive, but these predictions have not been confirmed by published functional studies and their clinical significance is uncertain. This variant has not been reported in the literature in individuals with NOTCH1-related conditions. This variant is not present in population databases (ExAC no frequency). This sequence change replaces serine with proline at codon 1589 of the NOTCH1 protein (p.Ser1589Pro). The serine residue is highly conserved and there is a moderate physicochemical difference between serine and proline.